The following is an entry in ClinVar:

ClinVar aggregate classification (germline): Uncertain significance (1 of 4 stars; one submission).

Conditions:
Hereditary spastic paraplegia 39 (SPG39). Also called: SPASTIC PARAPLEGIA 39, AUTOSOMAL RECESSIVE; Spastic Paraplegia Type 39 (SPG39). Identifiers: Orphanet 139480, MedGen C2677586, MONDO:0012787, OMIM 612020.

Allele frequency attached by ClinVar (database versions not stated): gnomAD exomes 0.00001; gnomAD 0.00003; TOPMed 0.00003.
gnomAD v4.1: 9 of 1,613,578 alleles (0.00056%); highest among the groups gnomAD compares: Admixed American, 0.012%; no homozygotes.

Submission:

Labcorp Genetics (formerly Invitae), Labcorp
Classification: Uncertain significance for Hereditary spastic paraplegia 39. Last evaluated: 2022-10-24. Review status: criteria provided, single submitter. Criteria: Invitae Variant Classification Sherloc (09022015). Collection method: clinical testing. Allele origin: germline.
Comment: This sequence change replaces glutamic acid, which is acidic and polar, with valine, which is neutral and non-polar, at codon 471 of the PNPLA6 protein (p.Glu471Val). This variant is present in population databases (no rsID available, gnomAD 0.006%). This variant has not been reported in the literature in individuals affected with PNPLA6-related conditions. ClinVar contains an entry for this variant (Variation ID: 848328). Algorithms developed to predict the effect of missense changes on protein structure and function are either unavailable or do not agree on the potential impact of this missense change (SIFT: "Tolerated"; PolyPhen-2: "Probably Damaging"; Align-GVGD: "Class C0"). Algorithms developed to predict the effect of sequence changes on RNA splicing suggest that this variant may disrupt the consensus splice site. In summary, the available evidence is currently insufficient to determine the role of this variant in disease. Therefore, it has been classified as a Variant of Uncertain Significance.

NM_001166114.2(PNPLA6):c.1529A>T (p.Glu510Val)

Gene: PNPLA6 (patatin like domain 6, lysophospholipase; plus strand). Cytogenetic location: 19p13.2.
Variant type: single nucleotide variant.
Coding change: c.1529A>T on transcript NM_001166114.2 (MANE Select); coding-DNA position 1529, A replaced by T.
Protein change: p.Glu510Val; replaces glutamic acid 510 with valine.
Molecular consequence: missense variant.
Genome position (GRCh38, 1-based): chr19:7,542,927, A>T. VCF-style: chr19-7542927-A-T. GRCh37 (hg19) VCF-style: chr19-7607813-A-T.
Other names: c.1556A>T, p.Glu519Val (NM_001166111.2); c.1412A>T, p.Glu471Val (NM_001166112.2, NM_001166113.1, NM_006702.5); short protein forms E471V, E510V, E519V.
Identifiers: ClinVar variation 848328 (VCV000848328.7), dbSNP rs1017141420, ClinGen allele CA304866834.